The following is an entry in ClinVar:

NM_000152.5(GAA):c.2057G>A (p.Ser686Asn)

Gene: GAA (alpha glucosidase; plus strand). Cytogenetic location: 17q25.3.
Variant type: single nucleotide variant.
Coding change: c.2057G>A on transcript NM_000152.5 (MANE Select); coding-DNA position 2057, G replaced by A.
Protein change: p.Ser686Asn; replaces serine 686 with asparagine.
Molecular consequence: missense variant.
Genome position (GRCh38, 1-based): chr17:80,113,234, G>A. VCF-style: chr17-80113234-G-A. GRCh37 (hg19) VCF-style: chr17-78087033-G-A.
Other names: c.2057G>A, p.Ser686Asn (NM_001079803.3, NM_001079804.3); short protein forms S686N.
Identifiers: ClinVar variation 1163110 (VCV001163110.6), dbSNP rs1355454728, ClinGen allele CA401370371.
Genomic context (GRCh38, chr17:80,113,234, plus strand): 5'-GCCCCAGCACCCAAGTGCTTCCTTTGCCCCCGCCTGCCCTGCAGCCCCAGGAGCCGTACA[G>A]CTTCAGCGAGCCGGCCCAGCAGGCCATGAGGAAGGCCCTCACCCTGCGCTACGCACTCCT-3'
Protein context (NP_000143.2, residues 676-696): SLLSLPQEPY[Ser686Asn]FSEPAQQAMR

ClinVar aggregate classification (germline): Uncertain significance. Review status: criteria provided, multiple submitters, no conflicts (2 of 4 stars). 2 submissions from 2 submitters: Uncertain significance (2). Last evaluated 2025-08-18.

Conditions:
GAA-related disorder. Also called: GAA-related condition.

Allele frequency attached by ClinVar (database versions not stated): gnomAD 0.00003; TOPMed 0.00003.

Submissions (2):

PreventionGenetics, part of Exact Sciences
Classification: Uncertain significance for GAA-related condition. Last evaluated: 2025-08-18. Review status: criteria provided, single submitter. Criteria: ACMG Guidelines, 2015. Collection method: clinical testing. Allele origin: germline.
Comment: The GAA c.2057G>A variant is predicted to result in the amino acid substitution p.Ser686Asn. To our knowledge, this variant has not been reported in the literature or in a large population database (gnomAD), indicating this variant is rare. At this time, the clinical significance of this variant is uncertain due to the absence of conclusive functional and genetic evidence.

Mayo Clinic Laboratories, Mayo Clinic
Classification: Uncertain significance. Last evaluated: 2020-05-28. Review status: criteria provided, single submitter. Criteria: ACMG Guidelines, 2015. Collection method: clinical testing. Allele origin: germline. Observed: 1 variant allele.